The following is an entry in ClinVar:

ClinVar aggregate classification (germline): Uncertain significance (1 of 4 stars; one submission).

Conditions:
Multiple endocrine neoplasia, type 1 (MEN1). Also called: Endocrine adenomatosis multiple; MEN 1; MEA I; MEN I; WERMER SYNDROME. Identifiers: Orphanet 652, MedGen C0025267, MeSH D018761, MONDO:0007540, OMIM 131100.

Submission:

Labcorp Genetics (formerly Invitae), Labcorp
Classification: Uncertain significance for Multiple endocrine neoplasia, type 1. Last evaluated: 2025-09-10. Review status: criteria provided, single submitter. Criteria: Invitae Variant Classification Sherloc (09022015). Collection method: clinical testing. Allele origin: germline.
Comment: This sequence change replaces proline, which is neutral and non-polar, with serine, which is neutral and polar, at codon 55 of the MEN1 protein (p.Pro55Ser). This variant is not present in population databases (gnomAD no frequency). This variant has not been reported in the literature in individuals affected with MEN1-related conditions. ClinVar contains an entry for this variant (Variation ID: 2091659). Invitae Evidence Modeling of protein sequence and biophysical properties (such as structural, functional, and spatial information, amino acid conservation, physicochemical variation, residue mobility, and thermodynamic stability) has been performed for this missense variant. However, the output from this modeling did not meet the statistical confidence thresholds required to predict the impact of this variant on MEN1 protein function. In summary, the available evidence is currently insufficient to determine the role of this variant in disease. Therefore, it has been classified as a Variant of Uncertain Significance.

NM_001370259.2(MEN1):c.163C>T (p.Pro55Ser)

Gene: MEN1 (menin 1; minus strand). Cytogenetic location: 11q13.1.
Variant type: single nucleotide variant.
Coding change: c.163C>T on transcript NM_001370259.2 (MANE Select); coding-DNA position 163, C replaced by T.
Protein change: p.Pro55Ser; replaces proline 55 with serine.
Molecular consequence: missense variant.
Genome position (GRCh38, 1-based): chr11:64,809,947, G>A on the plus strand (C>T on the coding strand, the complement: MEN1 is on the minus strand). VCF-style: chr11-64809947-G-A. GRCh37 (hg19) VCF-style: chr11-64577419-G-A.
Other names: c.163C>T, p.Pro55Ser (NM_000244.4, NM_001370251.2, NM_001370260.2 and 20 more transcripts); short protein forms P55S.
Identifiers: ClinVar variation 2091659 (VCV002091659.4), dbSNP rs2136191465, ClinGen allele CA381187741.